The following is an entry in ClinVar:

NM_058179.4(PSAT1):c.367A>G (p.Ile123Val)

Gene: PSAT1 (phosphoserine aminotransferase 1; plus strand). Cytogenetic location: 9q21.2.
Variant type: single nucleotide variant.
Coding change: c.367A>G on transcript NM_058179.4 (MANE Select); coding-DNA position 367, A replaced by G.
Protein change: p.Ile123Val; replaces isoleucine 123 with valine.
Molecular consequence: missense variant.
Genome position (GRCh38, 1-based): chr9:78,304,910, A>G. VCF-style: chr9-78304910-A-G. GRCh37 (hg19) VCF-style: chr9-80919826-A-G.
Other names: c.367A>G, p.Ile123Val (NM_021154.5); short protein forms I123V.
Identifiers: ClinVar variation 367455 (VCV000367455.22), dbSNP rs116577685, ClinGen allele CA5095589.
Genomic context (GRCh38, chr9:78,304,910, plus strand): 5'-GTGACAGGAGCTTGGTCAGCTAAGGCCGCAGAAGAAGCCAAGAAGTTTGGGACTATAAAT[A>G]TCGTTCACCCTAAACTTGGGAGTTATACAAGTAAGTTCTGGGAGCTGAGCTGGGTGGTGA-3'
Protein context (NP_478059.1, residues 113-133): EEAKKFGTIN[Ile123Val]VHPKLGSYTK

ClinVar aggregate classification (germline): Likely benign. Review status: criteria provided, multiple submitters, no conflicts (2 of 4 stars). 6 submissions from 6 submitters: Likely benign (3). 3 of the submissions do not count toward it. Last evaluated 2026-01-05.

Conditions:
Neu-Laxova syndrome 2. Identifiers: Orphanet 2671, Orphanet 583602, MedGen C4015019, MONDO:0014466, OMIM 616038.
PSAT1-related disorder. Also called: PSAT1-related condition; PSAT1-related disorders.
PSAT deficiency. Identifiers: Orphanet 284417, MedGen C1970253, MONDO:0012596, OMIM 610992.

Allele frequency attached by ClinVar (database versions not stated): gnomAD exomes 0.00018 and 0.00047; ExAC 0.00058; 1000 Genomes Project 0.00180; 1000 Genomes Project 30x 0.00187; gnomAD 0.00194 and 0.00213; TOPMed 0.00195; ESP Exome Variant Server 0.00246.
gnomAD v4.1: 573 of 1,612,894 alleles (0.036%); highest among the groups gnomAD compares: African/African-American, 0.68%; 4 homozygotes.

Submissions (6):

Labcorp Genetics (formerly Invitae), Labcorp
Classification: Likely benign for Neu-Laxova syndrome 2. Last evaluated: 2026-01-05. Review status: criteria provided, single submitter. Criteria: Invitae Variant Classification Sherloc (09022015). Collection method: clinical testing. Allele origin: germline.

Blueprint Genetics
Classification: Likely benign. Last evaluated: 2024-10-09. Review status: criteria provided, single submitter. Criteria: ACMG Guidelines, 2015. Collection method: clinical testing. Allele origin: germline.

Illumina Laboratory Services, Illumina
Classification: Likely benign for PSAT deficiency. Last evaluated: 2018-01-12. Review status: criteria provided, single submitter. Criteria: ICSL Variant Classification Criteria 13 December 2019. Collection method: clinical testing. Allele origin: germline.
Comment: This variant was observed in the ICSL laboratory as part of a predisposition screen in an ostensibly healthy population. It had not been previously curated by ICSL or reported in the Human Gene Mutation Database (HGMD: prior to June 1st, 2018), and was therefore a candidate for classification through an automated scoring system. Utilizing variant allele frequency, disease prevalence and penetrance estimates, and inheritance mode, an automated score was calculated to assess if this variant is too frequent to cause the disease. Based on the score and internal cut-off values, a variant classified as likely benign is not then subjected to further curation. The score for this variant resulted in a classification of likely benign for this disease.

PreventionGenetics, part of Exact Sciences
Classification: Likely benign for PSAT1-related condition. Last evaluated: 2020-09-08. Review status: no assertion criteria provided. Collection method: clinical testing. Allele origin: germline. Not counted in ClinVar's aggregate classification.
Comment: This variant is classified as likely benign based on ACMG/AMP sequence variant interpretation guidelines (Richards et al. 2015 PMID: 25741868, with internal and published modifications).

Department of Pathology and Laboratory Medicine, Sinai Health System
Classification: Likely benign. Review status: no assertion criteria provided. Collection method: clinical testing. Allele origin: unknown. Affected: yes. Study: The Canadian Open Genetics Repository (COGR). Not counted in ClinVar's aggregate classification.
Comment: The PSAT1 p.Ile123Val variant was not identified in the literature nor was it identified in Cosmic or LOVD 3.0. The variant was identified in dbSNP (ID: rs116577685) and ClinVar (classified as likely benign by Illumina and as a VUS by Invitae). The variant was also identified in control databases in 180 of 282824 chromosomes (1 homozygous) at a frequency of 0.000636 increasing the likelihood this could be a low frequency benign variant (Genome Aggregation Database Feb 27, 2017). The variant was observed in the following populations: African in 166 of 24964 chromosomes (freq: 0.00665), Latino in 12 of 35434 chromosomes (freq: 0.000339), Other in 1 of 7224 chromosomes (freq: 0.000138) and European (non-Finnish) in 1 of 129142 chromosomes (freq: 0.000008), while the variant was not observed in the Ashkenazi Jewish, East Asian, European (Finnish), and South Asian populations. The p.Ile123 residue is not conserved in mammals and computational analyses (PolyPhen-2, SIFT, AlignGVGD, BLOSUM, MutationTaster) do not suggest a high likelihood of impact to the protein; however, this information is not predictive enough to rule out pathogenicity. The variant occurs outside of the splicing consensus sequence and in silico or computational prediction software programs (SpliceSiteFinder, MaxEntScan, NNSPLICE, GeneSplicer) do not predict a difference in splicing. In summary, based on the above information the clinical significance of this variant cannot be determined with certainty at this time although we would lean towards a more benign role for this variant. This variant is classified as likely benign.

Dudley Research Group, Pacific Northwest Research Institute
No classification provided. Review status: no classification provided. Collection method: research, in vivo. Allele origin: unknown, not applicable. Functional consequence: functionally_normal. Not counted in ClinVar's aggregate classification.